The following is an entry in ClinVar:

NM_032638.5(GATA2):c.1196_1197insAG (p.Met400fs)

Gene: GATA2 (GATA binding protein 2; minus strand). Cytogenetic location: 3q21.3.
Variant type: Insertion.
Coding change: c.1196_1197insAG on transcript NM_032638.5 (MANE Select); coding-DNA positions 1196 to 1197, AG inserted.
Protein change: p.Met400fs; shifts the reading frame from methionine 400.
Molecular consequence: frameshift variant.
Genome position: GRCh38 VCF-style: chr3-128481265-C-CCT. GRCh37 (hg19) VCF-style: chr3-128200108-C-CCT.
Other names: c.1196_1197insAG, p.Met400fs (NM_001145661.2); c.1154_1155insAG, p.Met386fs (NM_001145662.1); short protein forms M400fs, M386fs.
Identifiers: ClinVar variation 2949332 (VCV002949332.3), dbSNP rs2472919277, ClinGen allele CA2740090988.

ClinVar aggregate classification (germline): Pathogenic (1 of 4 stars; one submission).

Conditions:
Deafness-lymphedema-leukemia syndrome. Also called: Emberger syndrome; Lymphedema, primary, with myelodysplasia. Identifiers: Orphanet 3226, MedGen C3279664, MONDO:0013540, OMIM 614038.
Monocytopenia with susceptibility to infections. Also called: IMMUNODEFICIENCY 21; GATA2 DEFICIENCY; MONOCYTOPENIA AND MYCOBACTERIAL INFECTION SYNDROME; MONOCYTOPENIA WITH SUSCEPTIBILITY TO MYCOBACTERIAL, FUNGAL, AND PAPILLOMAVIRUS INFECTIONS AND MYELODYSPLASIA; COMBINED IMMUNODEFICIENCY WITH SUSCEPTIBILITY TO MYCOBACTERIAL, VIRAL, AND FUNGAL INFECTIONS; Dendritic cell, monocyte, B lymphocyte, and natural killer lymphocyte deficiency. Identifiers: Orphanet 228423, MedGen C3280030, MONDO:0013607, OMIM 614172.

Submission:

Labcorp Genetics (formerly Invitae), Labcorp
Classification: Pathogenic for Monocytopenia with susceptibility to infections; Deafness-lymphedema-leukemia syndrome. Last evaluated: 2023-06-27. Review status: criteria provided, single submitter. Criteria: Invitae Variant Classification Sherloc (09022015). Collection method: clinical testing. Allele origin: germline.
Comment: For these reasons, this variant has been classified as Pathogenic. This variant disrupts a region of the GATA2 protein in which other variant(s) (p.Ser447Arg) have been determined to be pathogenic (PMID: 25619630, 26702063, 28259234, 28485484). This suggests that this is a clinically significant region of the protein, and that variants that disrupt it are likely to be disease-causing. This variant has not been reported in the literature in individuals affected with GATA2-related conditions. This variant is not present in population databases (gnomAD no frequency). This sequence change creates a premature translational stop signal (p.Met400Glyfs*78) in the GATA2 gene. While this is not anticipated to result in nonsense mediated decay, it is expected to disrupt the last 81 amino acid(s) of the GATA2 protein.

Literature cited by the submitters: PubMed 25619630; PubMed 26702063; PubMed 28259234; PubMed 28485484.